The following is an entry in ClinVar:

NM_014028.4(OSTM1):c.*2283T>C

Gene: OSTM1 (osteoclastogenesis associated transmembrane protein 1; minus strand). Cytogenetic location: 6q21.
Variant type: single nucleotide variant.
Coding change: c.*2283T>C on transcript NM_014028.4 (MANE Select); 2283 bases downstream of the stop codon, T replaced by C.
Molecular consequence: 3 prime UTR variant.
Genome position (GRCh38, 1-based): chr6:108,042,502, A>G on the plus strand (T>C on the coding strand, the complement: OSTM1 is on the minus strand). VCF-style: chr6-108042502-A-G. GRCh37 (hg19) VCF-style: chr6-108363706-A-G.
Identifiers: ClinVar variation 354947 (VCV000354947.5), dbSNP rs112283202, ClinGen allele CA10625651.

ClinVar aggregate classification (germline): Benign (1 of 4 stars; one submission).

Conditions:
Autosomal recessive osteopetrosis 5. Identifiers: Orphanet 85179, MedGen C1968603, MONDO:0009817, OMIM 259720.

Allele frequency attached by ClinVar (database versions not stated): gnomAD 0.09519 and 0.09569; TOPMed 0.11183; 1000 Genomes Project 0.13918; 1000 Genomes Project 30x 0.14725.

Submission:

Illumina Laboratory Services, Illumina
Classification: Benign for Autosomal recessive osteopetrosis 5. Last evaluated: 2018-01-12. Review status: criteria provided, single submitter. Criteria: ICSL Variant Classification Criteria 13 December 2019. Collection method: clinical testing. Allele origin: germline.
Comment: This variant was observed in the ICSL laboratory as part of a predisposition screen in an ostensibly healthy population. It had not been previously curated by ICSL or reported in the Human Gene Mutation Database (HGMD: prior to June 1st, 2018), and was therefore a candidate for classification through an automated scoring system. Utilizing variant allele frequency, disease prevalence and penetrance estimates, and inheritance mode, an automated score was calculated to assess if this variant is too frequent to cause the disease. Based on the score and internal cut-off values, a variant classified as benign is not then subjected to further curation. The score for this variant resulted in a classification of benign for this disease.